The following is an entry in ClinVar:

ClinVar aggregate classification (germline): Uncertain significance (1 of 4 stars; one submission).

Conditions:
Hereditary cancer-predisposing syndrome. Also called: Neoplastic Syndromes, Hereditary; Tumor predisposition; Hereditary Cancer Syndrome; Hereditary neoplastic syndrome. Identifiers: Orphanet 140162, MedGen C0027672, MeSH D009386, MONDO:0015356.

Submission:

Ambry Genetics
Classification: Uncertain significance for Hereditary cancer-predisposing syndrome. Last evaluated: 2025-11-15. Review status: criteria provided, single submitter. Criteria: Ambry Variant Classification Scheme 2023. Collection method: clinical testing. Allele origin: germline.
Comment: The p.A614G variant (also known as c.1841C>G), located in coding exon 15 of the MRE11A gene, results from a C to G substitution at nucleotide position 1841. The alanine at codon 614 is replaced by glycine, an amino acid with similar properties. This amino acid position is conserved. In addition, this alteration is predicted to be tolerated by in silico analysis. Since supporting evidence is limited at this time, the clinical significance of this alteration remains unclear.

NM_005591.4(MRE11):c.1841C>G (p.Ala614Gly)

Gene: MRE11 (MRE11 double strand break repair nuclease; minus strand). Cytogenetic location: 11q21.
Variant type: single nucleotide variant.
Coding change: c.1841C>G on transcript NM_005591.4 (MANE Select); coding-DNA position 1841, C replaced by G.
Protein change: p.Ala614Gly; replaces alanine 614 with glycine.
Molecular consequence: missense variant. On other transcripts: intron variant (1).
Genome position (GRCh38, 1-based): chr11:94,445,836, G>C on the plus strand (C>G on the coding strand, the complement: MRE11 is on the minus strand). VCF-style: chr11-94445836-G-C. GRCh37 (hg19) VCF-style: chr11-94179002-G-C.
Other names: c.1838C>G, p.Ala613Gly (NM_001330347.2); c.1783+1383C>G (NM_005590.4); short protein forms A613G, A614G.
Identifiers: ClinVar variation 1800009 (VCV001800009.3), dbSNP rs2496280024, ClinGen allele CA382366487.